The following is an entry in ClinVar:

ClinVar aggregate classification (germline): Uncertain significance. Review status: criteria provided, multiple submitters, no conflicts (2 of 4 stars). 2 submissions from 2 submitters: Uncertain significance (2). Last evaluated 2025-10-02.

Conditions:
Inborn genetic diseases. Identifiers: MedGen C0950123, MeSH D030342.

Allele frequency attached by ClinVar (database versions not stated): gnomAD 0.00001; gnomAD exomes 0.00001 and 0.00002; TOPMed 0.00003; ExAC 0.00002.
gnomAD v4.1: 21 of 1,613,962 alleles (0.0013%); highest among the groups gnomAD compares: Middle Eastern, 0.049%; no homozygotes.

Submissions (2):

Ambry Genetics
Classification: Uncertain significance for Inborn genetic diseases. Last evaluated: 2025-10-02. Review status: criteria provided, single submitter. Criteria: Ambry Variant Classification Scheme 2023. Collection method: clinical testing. Allele origin: germline.

Labcorp Genetics (formerly Invitae), Labcorp
Classification: Uncertain significance. Last evaluated: 2022-07-06. Review status: criteria provided, single submitter. Criteria: Invitae Variant Classification Sherloc (09022015). Collection method: clinical testing. Allele origin: germline.
Comment: This sequence change replaces arginine, which is basic and polar, with histidine, which is basic and polar, at codon 719 of the EXTL3 protein (p.Arg719His). This variant is present in population databases (rs775551682, gnomAD 0.01%). This variant has not been reported in the literature in individuals affected with EXTL3-related conditions. ClinVar contains an entry for this variant (Variation ID: 1416485). Algorithms developed to predict the effect of missense changes on protein structure and function are either unavailable or do not agree on the potential impact of this missense change (SIFT: "Deleterious"; PolyPhen-2: "Benign"; Align-GVGD: "Class C25"). In summary, the available evidence is currently insufficient to determine the role of this variant in disease. Therefore, it has been classified as a Variant of Uncertain Significance.

NM_001440.4(EXTL3):c.2156G>A (p.Arg719His)

Gene: EXTL3 (exostosin like glycosyltransferase 3; plus strand). Cytogenetic location: 8p21.1.
Variant type: single nucleotide variant.
Coding change: c.2156G>A on transcript NM_001440.4 (MANE Select); coding-DNA position 2156, G replaced by A.
Protein change: p.Arg719His; replaces arginine 719 with histidine.
Molecular consequence: missense variant. On other transcripts: non-coding transcript variant (1).
Genome position (GRCh38, 1-based): chr8:28,731,230, G>A. VCF-style: chr8-28731230-G-A. GRCh37 (hg19) VCF-style: chr8-28588747-G-A.
Other names: c.2156G>A (NM_001440.2); short protein forms R719H.
Identifiers: ClinVar variation 1416485 (VCV001416485.6), dbSNP rs775551682, ClinGen allele CA4696360.